The following is an entry in ClinVar:

ClinVar aggregate classification (germline): Uncertain significance (1 of 4 stars; one submission).

Submission:

Ambry Genetics
Classification: Uncertain significance. Last evaluated: 2024-04-28. Review status: criteria provided, single submitter. Criteria: Ambry Variant Classification Scheme 2023. Collection method: clinical testing. Allele origin: germline.
Comment: The p.P1101L variant (also known as c.3302C>T), located in coding exon 2 of the MLH3 gene, results from a C to T substitution at nucleotide position 3302. The proline at codon 1101 is replaced by leucine, an amino acid with similar properties. This amino acid position is conserved. In addition, this alteration is predicted to be deleterious by in silico analysis. Based on the available evidence, the clinical significance of this variant remains unclear.

NM_001040108.2(MLH3):c.3302C>T (p.Pro1101Leu)

Gene: MLH3 (mutL homolog 3; minus strand). Cytogenetic location: 14q24.3.
Variant type: single nucleotide variant.
Coding change: c.3302C>T on transcript NM_001040108.2 (MANE Select); coding-DNA position 3302, C replaced by T.
Protein change: p.Pro1101Leu; replaces proline 1101 with leucine.
Molecular consequence: missense variant.
Genome position (GRCh38, 1-based): chr14:75,042,456, G>A on the plus strand (C>T on the coding strand, the complement: MLH3 is on the minus strand). VCF-style: chr14-75042456-G-A. GRCh37 (hg19) VCF-style: chr14-75509159-G-A.
Other names: c.3302C>T, p.Pro1101Leu (NM_014381.3); short protein forms P1101L.
Identifiers: ClinVar variation 3295126 (VCV003295126.1).
Genomic context (GRCh38, chr14:75,042,456, plus strand): 5'-ATCACAGTCCTCTCTGCTCGAGCTCTCGGAAGGAAAGGAAGAACAAGGTCGCTTCTAAAA[G>A]GTTGACACCTGTACTGAGACCCTAAATATAAGAAAGAAAAACCTAGAAATGTGAACTTAA-3'
Protein context (NP_001035197.1, residues 1091-1111): LENGSQYRCQ[Pro1101Leu]FRSDLVLPFL